The following is an entry in ClinVar:

ClinVar aggregate classification (germline): Likely benign (1 of 4 stars; one submission).

Allele frequency attached by ClinVar (database versions not stated): gnomAD 0.00011; gnomAD exomes 0.00015; 1000 Genomes Project 30x 0.00016; TOPMed 0.00019; 1000 Genomes Project 0.00020; ExAC 0.00029.
gnomAD v4.1: 258 of 1,613,840 alleles (0.016%); highest among the groups gnomAD compares: Middle Eastern, 0.4%; 2 homozygotes.

Submission:

CeGaT Center for Human Genetics Tuebingen
Classification: Likely benign. Last evaluated: 2023-02-01. Review status: criteria provided, single submitter. Criteria: CeGaT Center For Human Genetics Tuebingen Variant Classification Criteria Version 2. Collection method: clinical testing. Allele origin: germline. Affected: yes. Observed: 1 variant allele.
Comment: SLC35G1: BP4, BP7

NM_001134658.3(SLC35G1):c.864C>G (p.Leu288=)

Gene: SLC35G1 (solute carrier family 35 member G1; plus strand). Cytogenetic location: 10q23.33.
Variant type: single nucleotide variant.
Coding change: c.864C>G on transcript NM_001134658.3 (MANE Select); coding-DNA position 864, C replaced by G.
Protein change: p.Leu288=; no amino-acid change (leucine 288 retained).
Molecular consequence: synonymous variant.
Genome position (GRCh38, 1-based): chr10:93,901,256, C>G. VCF-style: chr10-93901256-C-G. GRCh37 (hg19) VCF-style: chr10-95661013-C-G.
Other names: c.813C>G, p.Leu271= (NM_001345993.2); c.861C>G, p.Leu287= (NM_153226.4).
Identifiers: ClinVar variation 2640701 (VCV002640701.24), dbSNP rs201136283, ClinGen allele CA5611478.